The following is an entry in ClinVar:

ClinVar aggregate classification (germline): Uncertain significance (1 of 4 stars; one submission).

gnomAD v4.1: 1 of 1,613,588 alleles (0.000062%); highest among the groups gnomAD compares: Admixed American, 0.0017%; no homozygotes.

Submission:

Labcorp Genetics (formerly Invitae), Labcorp
Classification: Uncertain significance. Last evaluated: 2023-10-03. Review status: criteria provided, single submitter. Criteria: Invitae Variant Classification Sherloc (09022015). Collection method: clinical testing. Allele origin: germline.
Comment: This sequence change replaces serine, which is neutral and polar, with cysteine, which is neutral and slightly polar, at codon 1002 of the ITPR1 protein (p.Ser1002Cys). This variant is present in population databases (no rsID available, gnomAD 0.003%). This variant has not been reported in the literature in individuals affected with ITPR1-related conditions. Advanced modeling of protein sequence and biophysical properties (such as structural, functional, and spatial information, amino acid conservation, physicochemical variation, residue mobility, and thermodynamic stability) performed at Invitae indicates that this missense variant is not expected to disrupt ITPR1 protein function. In summary, the available evidence is currently insufficient to determine the role of this variant in disease. Therefore, it has been classified as a Variant of Uncertain Significance.

NM_001378452.1(ITPR1):c.3076A>T (p.Ser1026Cys)

Gene: ITPR1 (inositol 1,4,5-trisphosphate receptor type 1; plus strand). Cytogenetic location: 3p26.1.
Variant type: single nucleotide variant.
Coding change: c.3076A>T on transcript NM_001378452.1 (MANE Select); coding-DNA position 3076, A replaced by T.
Protein change: p.Ser1026Cys; replaces serine 1026 with cysteine.
Molecular consequence: missense variant.
Genome position (GRCh38, 1-based): chr3:4,680,661, A>T. VCF-style: chr3-4680661-A-T. GRCh37 (hg19) VCF-style: chr3-4722345-A-T.
Other names: c.3049A>T, p.Ser1017Cys (NM_001099952.4); c.3031A>T, p.Ser1011Cys (NM_001168272.2); c.3004A>T, p.Ser1002Cys (NM_002222.7); short protein forms S1026C, S1002C, S1011C, S1017C.
Identifiers: ClinVar variation 2814894 (VCV002814894.3), dbSNP rs770224244, ClinGen allele CA351650267.